The following is an entry in ClinVar:

ClinVar aggregate classification (germline): Uncertain significance. Review status: criteria provided, multiple submitters, no conflicts (2 of 4 stars). 3 submissions from 3 submitters: Uncertain significance (3). Last evaluated 2024-12-02.

Conditions:
CHM-related disorder. Also called: CHM-related condition.

Allele frequency attached by ClinVar (database versions not stated): TOPMed 0.00002.
gnomAD v4.1: 2 of 1,211,571 alleles (0.00017%); highest among the groups gnomAD compares: Admixed American, 0.0043%; no homozygotes.

Submissions (3):

PreventionGenetics, part of Exact Sciences
Classification: Uncertain significance for CHM-related condition. Last evaluated: 2024-12-02. Review status: criteria provided, single submitter. Criteria: ACMG Guidelines, 2015. Collection method: clinical testing. Allele origin: germline.
Comment: The CHM c.1075A>C variant is predicted to result in the amino acid substitution p.Lys359Gln. To our knowledge, this variant has not been reported in the literature. This variant is reported in 0.0073% of alleles in individuals of Latino descent in gnomAD. At this time, the clinical significance of this variant is uncertain due to the absence of conclusive functional and genetic evidence.

Labcorp Genetics (formerly Invitae), Labcorp
Classification: Uncertain significance. Last evaluated: 2023-11-13. Review status: criteria provided, single submitter. Criteria: Invitae Variant Classification Sherloc (09022015). Collection method: clinical testing. Allele origin: germline.
Comment: This sequence change replaces lysine, which is basic and polar, with glutamine, which is neutral and polar, at codon 359 of the CHM protein (p.Lys359Gln). This variant is present in population databases (no rsID available, gnomAD 0.008%). This variant has not been reported in the literature in individuals affected with CHM-related conditions. ClinVar contains an entry for this variant (Variation ID: 2085950). Advanced modeling of protein sequence and biophysical properties (such as structural, functional, and spatial information, amino acid conservation, physicochemical variation, residue mobility, and thermodynamic stability) performed at Invitae indicates that this missense variant is not expected to disrupt CHM protein function with a negative predictive value of 80%. In summary, the available evidence is currently insufficient to determine the role of this variant in disease. Therefore, it has been classified as a Variant of Uncertain Significance.

Blueprint Genetics
Classification: Uncertain significance. Last evaluated: 2022-04-14. Review status: criteria provided, single submitter. Criteria: ACMG Guidelines, 2015. Collection method: clinical testing. Allele origin: germline.

NM_000390.4(CHM):c.1075A>C (p.Lys359Gln)

Gene: CHM (CHM Rab escort protein; minus strand). Cytogenetic location: Xq21.2.
Variant type: single nucleotide variant.
Coding change: c.1075A>C on transcript NM_000390.4 (MANE Select); coding-DNA position 1075, A replaced by C.
Protein change: p.Lys359Gln; replaces lysine 359 with glutamine.
Molecular consequence: missense variant.
Genome position (GRCh38, 1-based): chrX:85,956,244, T>G on the plus strand (A>C on the coding strand, the complement: CHM is on the minus strand). VCF-style: chrX-85956244-T-G. GRCh37 (hg19) VCF-style: chrX-85211249-T-G.
Other names: c.631A>C, p.Lys211Gln (NM_001320959.1, NM_001362517.1, NM_001362518.2 and 1 more transcripts); c.1075A>C (NM_000390.3); short protein forms K359Q, K211Q.
Identifiers: ClinVar variation 2085950 (VCV002085950.6), dbSNP rs1348176148, ClinGen allele CA413785078.